The following is an entry in ClinVar:

NM_001365276.2(TNXB):c.6707A>C (p.Lys2236Thr)

Gene: TNXB (tenascin XB; minus strand). Cytogenetic location: 6p21.33.
Variant type: single nucleotide variant.
Coding change: c.6707A>C on transcript NM_001365276.2 (MANE Select); coding-DNA position 6707, A replaced by C.
Protein change: p.Lys2236Thr; replaces lysine 2236 with threonine.
Molecular consequence: missense variant.
Genome position (GRCh38, 1-based): chr6:32,064,955, T>G on the plus strand (A>C on the coding strand, the complement: TNXB is on the minus strand). VCF-style: chr6-32064955-T-G. GRCh37 (hg19) VCF-style: chr6-32032732-T-G.
Other names: c.7448A>C, p.Lys2483Thr (NM_001428335.1); c.6707A>C, p.Lys2236Thr (NM_019105.8); short protein forms K2236T, K2483T.
Identifiers: ClinVar variation 3375519 (VCV003375519.1).

ClinVar aggregate classification (germline): Uncertain significance (1 of 4 stars; one submission).

Submission:

GeneDx
Classification: Uncertain significance. Last evaluated: 2024-05-06. Review status: criteria provided, single submitter. Criteria: GeneDx Variant Classification Process June 2021. Collection method: clinical testing. Allele origin: germline. Affected: yes.
Comment: Has not been previously published as pathogenic or benign to our knowledge; Not observed at significant frequency in large population cohorts (gnomAD); In silico analysis indicates that this missense variant does not alter protein structure/function